The following is an entry in ClinVar:

ClinVar aggregate classification (germline): Uncertain significance (1 of 4 stars; one submission).

Submission:

GeneDx
Classification: Uncertain significance. Last evaluated: 2022-01-07. Review status: criteria provided, single submitter. Criteria: GeneDx Variant Classification Process June 2021. Collection method: clinical testing. Allele origin: germline. Affected: yes.
Comment: Not observed at significant frequency in large population cohorts (gnomAD); In silico analysis supports that this missense variant does not alter protein structure/function; Has not been previously published as pathogenic or benign to our knowledge

NM_020719.3(PRR12):c.1948C>G (p.Pro650Ala)

Gene: PRR12 (proline rich 12; plus strand). Cytogenetic location: 19q13.33.
Variant type: single nucleotide variant.
Coding change: c.1948C>G on transcript NM_020719.3 (MANE Select); coding-DNA position 1948, C replaced by G.
Protein change: p.Pro650Ala; replaces proline 650 with alanine.
Molecular consequence: missense variant.
Genome position (GRCh38, 1-based): chr19:49,596,283, C>G. VCF-style: chr19-49596283-C-G. GRCh37 (hg19) VCF-style: chr19-50099540-C-G.
Other names: short protein forms P650A.
Identifiers: ClinVar variation 1695608 (VCV001695608.2), dbSNP rs201667848, ClinGen allele CA406869657.
Genomic context (GRCh38, chr19:49,596,283, plus strand): 5'-GGGCCTCCTGCGGAGCGCACAGAGGATGAGGAGTTCCTTATCCAGCACCTCTTGCAGGCG[C>G]CCAGCCCTCCTCGGACCTCAGGGGCGGACGGCTTGGTGGGCGAGGACGGGGCAGCAGATG-3'
Protein context (NP_065770.1, residues 640-660): EFLIQHLLQA[Pro650Ala]SPPRTSGADG